The following is an entry in ClinVar:

ClinVar aggregate classification (germline): Likely pathogenic (1 of 4 stars; one submission).

Allele frequency attached by ClinVar (database versions not stated): gnomAD exomes 0.00001 and 0.00002; TOPMed 0.00003; gnomAD 0.00006.
gnomAD v4.1: 40 of 1,575,440 alleles (0.0025%); highest among the groups gnomAD compares: Non-Finnish European, 0.0033%; no homozygotes.

Submission:

Labcorp Genetics (formerly Invitae), Labcorp
Classification: Likely pathogenic. Last evaluated: 2023-08-24. Review status: criteria provided, single submitter. Criteria: Invitae Variant Classification Sherloc (09022015). Collection method: clinical testing. Allele origin: germline.
Comment: This sequence change affects a donor splice site in intron 22 of the COL13A1 gene. It is expected to disrupt RNA splicing. Variants that disrupt the donor or acceptor splice site typically lead to a loss of protein function (PMID: 16199547), and loss-of-function variants in COL13A1 are known to be pathogenic (PMID: 26626625). The frequency data for this variant in the population databases is considered unreliable, as metrics indicate poor data quality at this position in the gnomAD database. This variant has not been reported in the literature in individuals affected with COL13A1-related conditions. ClinVar contains an entry for this variant (Variation ID: 1476402). Algorithms developed to predict the effect of sequence changes on RNA splicing suggest that this variant may disrupt the consensus splice site. In summary, the currently available evidence indicates that the variant is pathogenic, but additional data are needed to prove that conclusively. Therefore, this variant has been classified as Likely Pathogenic.

Literature cited by the submitters: PubMed 16199547; PubMed 26626625.

NM_001368882.1(COL13A1):c.1230+1G>C

Gene: COL13A1 (collagen type XIII alpha 1 chain; plus strand). Cytogenetic location: 10q22.1.
Variant type: single nucleotide variant.
Coding change: c.1230+1G>C on transcript NM_001368882.1 (MANE Select); the canonical splice donor site of the intron after coding-DNA position 1230, G replaced by C.
Molecular consequence: splice donor variant.
Genome position (GRCh38, 1-based): chr10:69,922,795, G>C. VCF-style: chr10-69922795-G-C. GRCh37 (hg19) VCF-style: chr10-71682551-G-C.
Other names: c.1167+1G>C (NM_001320951.2, NM_001368884.1); c.1197+1G>C (NM_001130103.2); c.1131+1G>C (NM_080801.4, NM_080802.4, NM_001368885.1); c.1140+1G>C (NM_080800.4, NM_001368895.1); c.567+1G>C (NM_001368886.1); c.1194+1G>C (NM_001368883.1); c.1044+1G>C (NM_080805.4); c.1053+1G>C (NM_001368897.1); and 1 more.
Identifiers: ClinVar variation 1476402 (VCV001476402.6), dbSNP rs962070481, ClinGen allele CA209269625.